The following is an entry in ClinVar:

ClinVar aggregate classification (germline): Conflicting classifications of pathogenicity. Review status: criteria provided, conflicting classifications (1 of 4 stars). 2 submissions from 2 submitters: Uncertain significance (1); Likely benign (1). Last evaluated 2025-12-18.

Conditions:
RASopathy. Also called: Noonan spectrum disorder; rasopathies. Identifiers: Orphanet 536391, MedGen C5555857, MONDO:0021060.

Allele frequency attached by ClinVar (database versions not stated): gnomAD exomes below 0.00001; ExAC 0.00001; gnomAD 0.00001; TOPMed 0.00002; 1000 Genomes Project 30x 0.00016; 1000 Genomes Project 0.00020.
gnomAD v4.1: 6 of 1,613,538 alleles (0.00037%); highest among the groups gnomAD compares: Middle Eastern, 0.017%; no homozygotes.

Submissions (2):

Labcorp Genetics (formerly Invitae), Labcorp
Classification: Uncertain significance for RASopathy. Last evaluated: 2025-12-18. Review status: criteria provided, single submitter. Criteria: Invitae Variant Classification Sherloc (09022015). Collection method: clinical testing. Allele origin: germline.
Comment: This sequence change falls in intron 6 of the MAP2K1 gene. It does not directly change the encoded amino acid sequence of the MAP2K1 protein. It affects a nucleotide within the consensus splice site. The frequency data for this variant in the population databases is considered unreliable, as metrics indicate poor data quality at this position in the gnomAD database. This variant has not been reported in the literature in individuals affected with MAP2K1-related conditions. ClinVar contains an entry for this variant (Variation ID: 382032). Variants that disrupt the consensus splice site are a relatively common cause of aberrant splicing (PMID: 17576681, 9536098). Algorithms developed to predict the effect of sequence changes on RNA splicing suggest that this variant is not likely to affect RNA splicing. In summary, the available evidence is currently insufficient to determine the role of this variant in disease. Therefore, it has been classified as a Variant of Uncertain Significance.

GeneDx
Classification: Likely benign. Last evaluated: 2015-12-08. Review status: criteria provided, single submitter. Criteria: GeneDx Variant Classification (06012015). Collection method: clinical testing. Allele origin: germline. Affected: yes.
Comment: This variant is considered likely benign or benign based on one or more of the following criteria: it is a conservative change, it occurs at a poorly conserved position in the protein, it is predicted to be benign by multiple in silico algorithms, and/or has population frequency not consistent with disease.

Literature cited by the submitters: PubMed 17576681 (cited by Labcorp Genetics (formerly Invitae), Labcorp); PubMed 9536098 (cited by Labcorp Genetics (formerly Invitae), Labcorp).

NM_002755.4(MAP2K1):c.693+4T>G

Gene: MAP2K1 (mitogen-activated protein kinase kinase 1; plus strand). Cytogenetic location: 15q22.31.
Variant type: single nucleotide variant.
Coding change: c.693+4T>G on transcript NM_002755.4 (MANE Select); 4 bases into the intron after coding-DNA position 693, T replaced by G.
Molecular consequence: intron variant.
Genome position (GRCh38, 1-based): chr15:66,481,883, T>G. VCF-style: chr15-66481883-T-G. GRCh37 (hg19) VCF-style: chr15-66774221-T-G.
Identifiers: ClinVar variation 382032 (VCV000382032.3), dbSNP rs184151283, ClinGen allele CA7623997.